The following is an entry in ClinVar:

NM_018192.4(P3H2):c.394G>C (p.Ala132Pro)

Gene: P3H2 (prolyl 3-hydroxylase 2; minus strand). Cytogenetic location: 3q28.
Variant type: single nucleotide variant.
Coding change: c.394G>C on transcript NM_018192.4 (MANE Select); coding-DNA position 394, G replaced by C.
Protein change: p.Ala132Pro; replaces alanine 132 with proline.
Molecular consequence: missense variant. On other transcripts: intron variant (1).
Genome position (GRCh38, 1-based): chr3:190,120,338, C>G on the plus strand (G>C on the coding strand, the complement: P3H2 is on the minus strand). VCF-style: chr3-190120338-C-G. GRCh37 (hg19) VCF-style: chr3-189838127-C-G.
Other names: c.-64+1865G>C (NM_001134418.2); short protein forms A132P.
Identifiers: ClinVar variation 837359 (VCV000837359.6), dbSNP rs768837581, ClinGen allele CA2753380.

ClinVar aggregate classification (germline): Uncertain significance. Review status: criteria provided, multiple submitters, no conflicts (2 of 4 stars). 2 submissions from 2 submitters: Uncertain significance (2). Last evaluated 2025-02-03.

Allele frequency attached by ClinVar (database versions not stated): TOPMed 0.00005; gnomAD 0.00007 and 0.00008; gnomAD exomes 0.00014; ExAC 0.00038.

Submissions (2):

Labcorp Genetics (formerly Invitae), Labcorp
Classification: Uncertain significance. Last evaluated: 2025-02-03. Review status: criteria provided, single submitter. Criteria: Invitae Variant Classification Sherloc (09022015). Collection method: clinical testing. Allele origin: germline.
Comment: This sequence change replaces alanine, which is neutral and non-polar, with proline, which is neutral and non-polar, at codon 132 of the P3H2 protein (p.Ala132Pro). This variant is present in population databases (rs768837581, gnomAD 0.03%). This variant has not been reported in the literature in individuals affected with P3H2-related conditions. ClinVar contains an entry for this variant (Variation ID: 837359). Invitae Evidence Modeling of protein sequence and biophysical properties (such as structural, functional, and spatial information, amino acid conservation, physicochemical variation, residue mobility, and thermodynamic stability) indicates that this missense variant is not expected to disrupt P3H2 protein function with a negative predictive value of 80%. In summary, the available evidence is currently insufficient to determine the role of this variant in disease. Therefore, it has been classified as a Variant of Uncertain Significance.

GeneDx
Classification: Uncertain significance. Last evaluated: 2024-05-29. Review status: criteria provided, single submitter. Criteria: GeneDx Variant Classification Process June 2021. Collection method: clinical testing. Allele origin: germline. Affected: yes.
Comment: In silico analysis indicates that this missense variant does not alter protein structure/function; Has not been previously published as pathogenic or benign to our knowledge